The following is an entry in ClinVar:

ClinVar aggregate classification (germline): Uncertain significance (1 of 4 stars; one submission).

Submission:

GeneDx
Classification: Uncertain significance. Last evaluated: 2023-11-27. Review status: criteria provided, single submitter. Criteria: GeneDx Variant Classification Process June 2021. Collection method: clinical testing. Allele origin: germline. Affected: yes.
Comment: Has not been previously published as pathogenic or benign to our knowledge; Not observed at significant frequency in large population cohorts (gnomAD); In silico analysis supports that this missense variant does not alter protein structure/function

NM_007118.4(TRIO):c.6659T>C (p.Val2220Ala)

Gene: TRIO (trio Rho guanine nucleotide exchange factor; plus strand). Cytogenetic location: 5p15.2.
Variant type: single nucleotide variant.
Coding change: c.6659T>C on transcript NM_007118.4 (MANE Select); coding-DNA position 6659, T replaced by C.
Protein change: p.Val2220Ala; replaces valine 2220 with alanine.
Molecular consequence: missense variant. On other transcripts: non-coding transcript variant (1).
Genome position (GRCh38, 1-based): chr5:14,485,070, T>C. VCF-style: chr5-14485070-T-C. GRCh37 (hg19) VCF-style: chr5-14485179-T-C.
Other names: short protein forms V2220A.
Identifiers: ClinVar variation 3364948 (VCV003364948.1).